The following is an entry in ClinVar:

ClinVar aggregate classification (germline): Uncertain significance (1 of 4 stars; one submission).

Submission:

Greenwood Genetic Center Diagnostic Laboratories, Greenwood Genetic Center
Classification: Uncertain significance. Last evaluated: 2025-06-09. Review status: criteria provided, single submitter. Criteria: ACMG Guidelines, 2015. Collection method: clinical testing. Allele origin: germline. Affected: yes.
Comment: PM2

NM_005334.3(HCFC1):c.*459G>C

Gene: HCFC1 (host cell factor C1; minus strand). Cytogenetic location: Xq28.
Variant type: single nucleotide variant.
Coding change: c.*459G>C on transcript NM_005334.3 (MANE Select); 459 bases downstream of the stop codon, G replaced by C.
Molecular consequence: 3 prime UTR variant.
Genome position (GRCh38, 1-based): chrX:153,948,888, C>G on the plus strand (G>C on the coding strand, the complement: HCFC1 is on the minus strand). VCF-style: chrX-153948888-C-G. GRCh37 (hg19) VCF-style: chrX-153214339-C-G.
Other names: c.*459G>C (NM_001440848.1, NM_001440849.1, NM_001440850.1 and 7 more transcripts).
Identifiers: ClinVar variation 4538294 (VCV004538294.1).